The following is an entry in ClinVar:

NM_001035.3(RYR2):c.4478G>A (p.Ser1493Asn)

Gene: RYR2 (ryanodine receptor 2; plus strand). Cytogenetic location: 1q43.
Variant type: single nucleotide variant.
Coding change: c.4478G>A on transcript NM_001035.3 (MANE Select); coding-DNA position 4478, G replaced by A.
Protein change: p.Ser1493Asn; replaces serine 1493 with asparagine.
Molecular consequence: missense variant.
Genome position (GRCh38, 1-based): chr1:237,595,539, G>A. VCF-style: chr1-237595539-G-A. GRCh37 (hg19) VCF-style: chr1-237758839-G-A.
Other names: short protein forms S1493N.
Identifiers: ClinVar variation 1434852 (VCV001434852.9), dbSNP rs1675797021, ClinGen allele CA345400254.

ClinVar aggregate classification (germline): Uncertain significance (1 of 4 stars; one submission).

Conditions:
Catecholaminergic polymorphic ventricular tachycardia 1. Also called: VENTRICULAR TACHYCARDIA, CATECHOLAMINERGIC POLYMORPHIC, 1, WITH OR WITHOUT ATRIAL DYSFUNCTION AND/OR DILATED CARDIOMYOPATHY; RYR2-Related Catecholaminergic Polymorphic Ventricular Tachycardia; VENTRICULAR TACHYCARDIA, STRESS-INDUCED POLYMORPHIC 1. Identifiers: Orphanet 3286, MedGen C1631597, MONDO:0011484, OMIM 604772.

Submission:

Labcorp Genetics (formerly Invitae), Labcorp
Classification: Uncertain significance for Catecholaminergic polymorphic ventricular tachycardia 1. Last evaluated: 2024-03-02. Review status: criteria provided, single submitter. Criteria: Invitae Variant Classification Sherloc (09022015). Collection method: clinical testing. Allele origin: germline.
Comment: This sequence change replaces serine, which is neutral and polar, with asparagine, which is neutral and polar, at codon 1493 of the RYR2 protein (p.Ser1493Asn). This variant is not present in population databases (gnomAD no frequency). This variant has not been reported in the literature in individuals affected with RYR2-related conditions. ClinVar contains an entry for this variant (Variation ID: 1434852). Advanced modeling of protein sequence and biophysical properties (such as structural, functional, and spatial information, amino acid conservation, physicochemical variation, residue mobility, and thermodynamic stability) performed at Invitae indicates that this missense variant is not expected to disrupt RYR2 protein function with a negative predictive value of 95%. In summary, the available evidence is currently insufficient to determine the role of this variant in disease. Therefore, it has been classified as a Variant of Uncertain Significance.